The following is an entry in ClinVar:

ClinVar aggregate classification (germline): Conflicting classifications of pathogenicity. Review status: criteria provided, conflicting classifications (1 of 4 stars). 4 submissions from 4 submitters: Uncertain significance (1); Likely benign (3). Last evaluated 2025-12-26.

Allele frequency attached by ClinVar (database versions not stated): gnomAD exomes 0.00003 and 0.00005; ExAC 0.00006; 1000 Genomes Project 30x 0.00016; 1000 Genomes Project 0.00020; gnomAD 0.00026 and 0.00029; TOPMed 0.00028; ESP Exome Variant Server 0.00033.
gnomAD v4.1: 88 of 1,614,012 alleles (0.0055%); highest among the groups gnomAD compares: African/African-American, 0.11%; no homozygotes.

Submissions (4):

Labcorp Genetics (formerly Invitae), Labcorp
Classification: Likely benign. Last evaluated: 2025-12-26. Review status: criteria provided, single submitter. Criteria: Invitae Variant Classification Sherloc (09022015). Collection method: clinical testing. Allele origin: germline.

Blueprint Genetics
Classification: Likely benign. Last evaluated: 2024-03-12. Review status: criteria provided, single submitter. Criteria: ACMG Guidelines, 2015. Collection method: clinical testing. Allele origin: germline.

Eurofins Ntd Llc (ga)
Classification: Uncertain significance. Last evaluated: 2018-02-10. Review status: criteria provided, single submitter. Criteria: EGL ClinVar v180209 classification definitions. Collection method: clinical testing. Allele origin: germline. Observed: 2 variant alleles, 2 heterozygotes.

Laboratory for Molecular Medicine, Mass General Brigham Personalized Medicine
Classification: Likely benign. Last evaluated: 2010-12-06. Review status: criteria provided, single submitter. Criteria: LMM Criteria. Collection method: clinical testing. Allele origin: germline. Observed: 1 variant allele.
Comment: Thr2523Thr in exon 33 of GPR98: This variant is not expected to have clinical si gnificance because it does not alter an amino acid residue and is not located ne ar a splice junction.

NM_032119.4(ADGRV1):c.7569A>G (p.Thr2523=)

Gene: ADGRV1 (adhesion G protein-coupled receptor V1; plus strand). Cytogenetic location: 5q14.3.
Variant type: single nucleotide variant.
Coding change: c.7569A>G on transcript NM_032119.4 (MANE Select); coding-DNA position 7569, A replaced by G.
Protein change: p.Thr2523=; no amino-acid change (threonine 2523 retained).
Molecular consequence: synonymous variant. On other transcripts: non-coding transcript variant (1).
Genome position (GRCh38, 1-based): chr5:90,694,325, A>G. VCF-style: chr5-90694325-A-G. GRCh37 (hg19) VCF-style: chr5-89990142-A-G.
Identifiers: ClinVar variation 46375 (VCV000046375.20), dbSNP rs373352597, ClinGen allele CA138216.